The following is an entry in ClinVar:

NM_032608.7(MYO18B):c.7618C>T (p.Arg2540Ter)

Gene: MYO18B (myosin XVIIIB; plus strand). Cytogenetic location: 22q12.1.
Variant type: single nucleotide variant.
Coding change: c.7618C>T on transcript NM_032608.7 (MANE Select); coding-DNA position 7618, C replaced by T.
Protein change: p.Arg2540Ter; replaces arginine 2540 with a stop codon.
Molecular consequence: nonsense.
Genome position (GRCh38, 1-based): chr22:26,027,592, C>T. VCF-style: chr22-26027592-C-T. GRCh37 (hg19) VCF-style: chr22-26423558-C-T.
Other names: c.7621C>T, p.Arg2541Ter (NM_001318245.2); short protein forms R2540*, R2541*.
Identifiers: ClinVar variation 3009649 (VCV003009649.3), dbSNP rs775448399, ClinGen allele CA10161825.

ClinVar aggregate classification (germline): Pathogenic (1 of 4 stars; one submission).

Allele frequency attached by ClinVar (database versions not stated): TOPMed 0.00001; gnomAD exomes below 0.00001; 1000 Genomes Project 30x 0.00016; gnomAD 0.00001; ExAC 0.00002.
gnomAD v4.1: 6 of 1,613,856 alleles (0.00037%); highest among the groups gnomAD compares: South Asian, 0.0011%; no homozygotes.

Submission:

Labcorp Genetics (formerly Invitae), Labcorp
Classification: Pathogenic. Last evaluated: 2025-03-23. Review status: criteria provided, single submitter. Criteria: Invitae Variant Classification Sherloc (09022015). Collection method: clinical testing. Allele origin: germline.
Comment: This sequence change creates a premature translational stop signal (p.Arg2540*) in the MYO18B gene. It is expected to result in an absent or disrupted protein product. Loss-of-function variants in MYO18B are known to be pathogenic (PMID: 25748484, 32184166, 32637634). This variant is present in population databases (rs775448399, gnomAD 0.003%). This variant has not been reported in the literature in individuals affected with MYO18B-related conditions. ClinVar contains an entry for this variant (Variation ID: 3009649). For these reasons, this variant has been classified as Pathogenic.

Literature cited by the submitters: PubMed 25748484; PubMed 32184166; PubMed 32637634.